The following is an entry in ClinVar:

NM_000548.5(TSC2):c.2639+10C>T

Gene: TSC2 (TSC complex subunit 2; plus strand). Cytogenetic location: 16p13.3.
Variant type: single nucleotide variant.
Coding change: c.2639+10C>T on transcript NM_000548.5 (MANE Select); 10 bases into the intron after coding-DNA position 2639, C replaced by T.
Molecular consequence: intron variant.
Genome position (GRCh38, 1-based): chr16:2,075,902, C>T. VCF-style: chr16-2075902-C-T. GRCh37 (hg19) VCF-style: chr16-2125903-C-T.
Other names: c.2639+10C>T (NM_001114382.3, NM_021055.3, NM_001370405.1 and 4 more transcripts); c.2528+10C>T (NM_001318827.2); c.2039+10C>T (NM_001318831.2); c.2492+10C>T (NM_001318829.2); c.2672+10C>T (NM_001318832.2).
Identifiers: ClinVar variation 49844 (VCV000049844.23), dbSNP rs137854378, ClinGen allele CA017749.

ClinVar aggregate classification (germline): Conflicting classifications of pathogenicity. Review status: criteria provided, conflicting classifications (1 of 4 stars). 11 submissions from 11 submitters: Uncertain significance (1); Benign (5); Likely benign (4). 1 of the submissions does not count toward it. Last evaluated 2026-02-01.

Conditions:
TSC2-related disorder. Also called: TSC2-Related Disorders; TSC2-related condition.
Tuberous sclerosis syndrome (TSC). Also called: Tuberous Sclerosis Complex; Tuberous sclerosis. Identifiers: Orphanet 805, MedGen C0041341, MONDO:0001734.
Tuberous sclerosis 2 (TSC2). Identifiers: Orphanet 805, MedGen C1860707, MONDO:0013199, OMIM 613254.

Allele frequency attached by ClinVar (database versions not stated): gnomAD 0.00004 and 0.00005; TOPMed 0.00008.
gnomAD v4.1: 90 of 1,612,824 alleles (0.0056%); highest among the groups gnomAD compares: Middle Eastern, 0.082%; no homozygotes.

Submissions (11):

Labcorp Genetics (formerly Invitae), Labcorp
Classification: Benign for Tuberous sclerosis 2. Last evaluated: 2026-02-01. Review status: criteria provided, single submitter. Criteria: Invitae Variant Classification Sherloc (09022015). Collection method: clinical testing. Allele origin: germline.

Myriad Genetics, Inc.
Classification: Benign for Tuberous sclerosis 2. Last evaluated: 2025-05-20. Review status: criteria provided, single submitter. Criteria: Myriad Autosomal Dominant, Autosomal Recessive and X-Linked Classification Criteria (2023). Collection method: clinical testing. Allele origin: unknown.
Comment: This variant is considered benign. This variant is intronic and is not expected to impact mRNA splicing. This variant has been observed at a population frequency that is significantly greater than expected given the associated disease prevalence and penetrance.

PreventionGenetics, part of Exact Sciences
Classification: Likely benign for TSC2-related condition. Last evaluated: 2024-11-19. Review status: criteria provided, single submitter. Criteria: ACMG Guidelines, 2015. Collection method: clinical testing. Allele origin: germline.
Comment: This variant is classified as likely benign based on ACMG/AMP sequence variant interpretation guidelines (Richards et al. 2015 PMID: 25741868, with internal and published modifications).

Blueprint Genetics
Classification: Likely benign. Last evaluated: 2024-09-16. Review status: criteria provided, single submitter. Criteria: ACMG Guidelines, 2015. Collection method: clinical testing. Allele origin: germline.

KCCC/NGS Laboratory, Kuwait Cancer Control Center
Classification: Benign for Tuberous sclerosis 2. Last evaluated: 2023-07-07. Review status: criteria provided, single submitter. Criteria: ACMG Guidelines, 2015. Collection method: clinical testing. Allele origin: germline. Affected: yes.

Genome-Nilou Lab
Classification: Benign for Tuberous sclerosis 2. Last evaluated: 2021-11-07. Review status: criteria provided, single submitter. Criteria: ACMG Guidelines, 2015. Collection method: clinical testing. Allele origin: germline. Affected: no.

Genetic Services Laboratory, University of Chicago
Classification: Likely benign. Last evaluated: 2021-09-30. Review status: criteria provided, single submitter. Criteria: ACMG Guidelines, 2015. Collection method: clinical testing. Allele origin: germline. Affected: no.

Athena Diagnostics
Classification: Benign. Last evaluated: 2018-12-27. Review status: criteria provided, single submitter. Criteria: Athena Diagnostics Criteria. Collection method: clinical testing. Allele origin: germline.

Illumina Laboratory Services, Illumina
Classification: Uncertain significance for Tuberous sclerosis syndrome. Last evaluated: 2018-01-12. Review status: criteria provided, single submitter. Criteria: ICSL Variant Classification Criteria 13 December 2019. Collection method: clinical testing. Allele origin: germline.

GeneDx
Classification: Likely benign. Last evaluated: 2017-10-26. Review status: criteria provided, single submitter. Criteria: GeneDx Variant Classification (06012015). Collection method: clinical testing. Allele origin: germline. Affected: yes.
Comment: This variant is considered likely benign or benign based on one or more of the following criteria: it is a conservative change, it occurs at a poorly conserved position in the protein, it is predicted to be benign by multiple in silico algorithms, and/or has population frequency not consistent with disease.

Tuberous sclerosis database (TSC2)
No classification provided. Condition: TSC. Review status: no classification provided. Criteria: Tuberous Sclerosis Database Assertion Criteria 2015. Collection method: curation. Allele origin: germline. Affected: yes. Not counted in ClinVar's aggregate classification.